The following is an entry in ClinVar:

NM_001723.7(DST):c.4191G>A (p.Thr1397=)

Gene: DST (dystonin; minus strand). Cytogenetic location: 6p12.1.
Variant type: single nucleotide variant.
Coding change: c.4191G>A on transcript NM_001723.7 (MANE Plus Clinical); coding-DNA position 4191, G replaced by A.
Protein change: p.Thr1397=; no amino-acid change (threonine 1397 retained).
Molecular consequence: synonymous variant. On other transcripts: intron variant (10).
Genome position (GRCh38, 1-based): chr6:56,619,843, C>T on the plus strand (G>A on the coding strand, the complement: DST is on the minus strand). VCF-style: chr6-56619843-C-T. GRCh37 (hg19) VCF-style: chr6-56484641-C-T.
Other names: c.4830+4687G>A (NM_001144769.5); c.4929+4687G>A (NM_001374722.1, NM_001374736.1); c.4956+4687G>A (NM_001374734.1); c.4416+4687G>A (NM_001144770.2); c.4296+4687G>A (NM_001374730.1, NM_001386100.1, NM_183380.4 and 1 more transcripts); c.3318+4687G>A (NM_015548.5).
Identifiers: ClinVar variation 1117449 (VCV001117449.11), dbSNP rs374733987, ClinGen allele CA3870575.

ClinVar aggregate classification (germline): Likely benign. Review status: criteria provided, multiple submitters, no conflicts (2 of 4 stars). 3 submissions from 3 submitters: Likely benign (3). Last evaluated 2026-10-01.

Conditions:
Hereditary sensory and autonomic neuropathy type 6. Also called: Neuropathy, hereditary sensory and autonomic, type VI; HSAN VI. Identifiers: Orphanet 314381, MedGen C3539003, MONDO:0013839, OMIM 614653.
Epidermolysis bullosa simplex 3, localized or generalized intermediate, with BP230 deficiency (EBS3). Also called: Epidermolysis bullosa simplex due to BP230 deficiency; Epidermolysis bullosa simplex, autosomal recessive 2. Identifiers: Orphanet 412181, MedGen C3809470, MONDO:0014180, OMIM 615425.

Allele frequency attached by ClinVar (database versions not stated): gnomAD exomes 0.00005 and 0.00003; ExAC 0.00006; ESP Exome Variant Server 0.00008; 1000 Genomes Project 30x 0.00016; 1000 Genomes Project 0.00020; gnomAD 0.00003; TOPMed 0.00003.
gnomAD v4.1: 51 of 1,613,986 alleles (0.0032%); highest among the groups gnomAD compares: Middle Eastern, 0.016%; no homozygotes.

Submissions (3):

CeGaT Center for Human Genetics Tuebingen
Classification: Likely benign. Last evaluated: 2026-10-01. Review status: criteria provided, single submitter. Criteria: CeGaT Center For Human Genetics Tuebingen Variant Classification Criteria Version 2. Collection method: clinical testing. Allele origin: germline. Affected: yes. Observed: 1 variant allele.
Comment: DST: BP4, BP7

Blueprint Genetics
Classification: Likely benign. Last evaluated: 2024-06-25. Review status: criteria provided, single submitter. Criteria: ACMG Guidelines, 2015. Collection method: clinical testing. Allele origin: germline.

Labcorp Genetics (formerly Invitae), Labcorp
Classification: Likely benign for Epidermolysis bullosa simplex 3, localized or generalized intermediate, with BP230 deficiency; Hereditary sensory and autonomic neuropathy type 6. Last evaluated: 2024-06-08. Review status: criteria provided, single submitter. Criteria: Invitae Variant Classification Sherloc (09022015). Collection method: clinical testing. Allele origin: germline.